The following is an entry in ClinVar:

ClinVar aggregate classification (germline): Likely pathogenic (1 of 4 stars; one submission).

Allele frequency attached by ClinVar (database versions not stated): gnomAD 0.00001; ExAC 0.00002; 1000 Genomes Project 0.00020; 1000 Genomes Project 30x 0.00031.
gnomAD v4.1: 3 of 1,597,222 alleles (0.00019%); highest among the groups gnomAD compares: East Asian, 0.0067%; no homozygotes.

Submission:

Labcorp Genetics (formerly Invitae), Labcorp
Classification: Likely pathogenic. Last evaluated: 2023-02-15. Review status: criteria provided, single submitter. Criteria: Invitae Variant Classification Sherloc (09022015). Collection method: clinical testing. Allele origin: germline.
Comment: This variant has not been reported in the literature in individuals affected with AKR1D1-related conditions. This variant is present in population databases (rs575025641, gnomAD 0.006%). This sequence change affects a donor splice site in intron 6 of the AKR1D1 gene. It is expected to disrupt RNA splicing. Variants that disrupt the donor or acceptor splice site typically lead to a loss of protein function (PMID: 16199547), and loss-of-function variants in AKR1D1 are known to be pathogenic (PMID: 12970144, 19175828, 20522910, 21185810, 23679950). Algorithms developed to predict the effect of sequence changes on RNA splicing suggest that this variant may disrupt the consensus splice site. In summary, the currently available evidence indicates that the variant is pathogenic, but additional data are needed to prove that conclusively. Therefore, this variant has been classified as Likely Pathogenic.

Literature cited by the submitters: PubMed 16199547; PubMed 12970144; PubMed 19175828; PubMed 20522910; PubMed 21185810; PubMed 23679950.

NM_005989.4(AKR1D1):c.689+1G>A

Gene: AKR1D1 (aldo-keto reductase family 1 member D1; plus strand). Cytogenetic location: 7q33.
Variant type: single nucleotide variant.
Coding change: c.689+1G>A on transcript NM_005989.4 (MANE Select); the canonical splice donor site of the intron after coding-DNA position 689, G replaced by A.
Molecular consequence: splice donor variant.
Genome position (GRCh38, 1-based): chr7:138,106,718, G>A. VCF-style: chr7-138106718-G-A. GRCh37 (hg19) VCF-style: chr7-137791464-G-A.
Other names: c.689+1G>A (NM_001190907.2); c.566+1G>A (NM_001190906.2).
Identifiers: ClinVar variation 2832975 (VCV002832975.3), dbSNP rs575025641, ClinGen allele CA4502765.
Genomic context (GRCh38, chr7:138,106,718, plus strand): 5'-ACAACATGACATTGTCATTACTGCATATAGCCCTTTGGGGACCAGTAGGAATCCAATCTG[G>A]TAAGTAAAACTTTAGGAAGCATTTCCTTTGGTGTAGAGTGTGAGGCTCATGTGAACTACT-3'